The following is an entry in ClinVar:

NM_006514.4(SCN10A):c.1453C>T (p.Arg485Cys)

Gene: SCN10A (sodium voltage-gated channel alpha subunit 10; minus strand). Cytogenetic location: 3p22.2.
Variant type: single nucleotide variant.
Coding change: c.1453C>T on transcript NM_006514.4 (MANE Select); coding-DNA position 1453, C replaced by T.
Protein change: p.Arg485Cys; replaces arginine 485 with cysteine.
Molecular consequence: missense variant.
Genome position (GRCh38, 1-based): chr3:38,755,796, G>A on the plus strand (C>T on the coding strand, the complement: SCN10A is on the minus strand). VCF-style: chr3-38755796-G-A. GRCh37 (hg19) VCF-style: chr3-38797287-G-A.
Other names: c.1453C>T, p.Arg485Cys (NM_001293306.2, NM_001293307.2); short protein forms R485C.
Identifiers: ClinVar variation 95400 (VCV000095400.22), dbSNP rs151153639, ClinGen allele CA2320865.

ClinVar aggregate classification (germline): Benign/Likely benign. Review status: criteria provided, multiple submitters, no conflicts (2 of 4 stars). 7 submissions from 7 submitters: Benign (3); Likely benign (2). 2 of the submissions do not count toward it. Last evaluated 2026-01-25.

Conditions:
Cardiovascular phenotype. Identifiers: MedGen CN230736.
Brugada syndrome. Also called: Sudden Unexplained Death Syndrome; Sudden Unexplained Nocturnal Death Syndrome (SUNDS); Sudden unexpected nocturnal death syndrome; Sudden unexplained nocturnal death syndrome. Identifiers: Orphanet 130, MedGen C1142166, MONDO:0015263.

Allele frequency attached by ClinVar (database versions not stated): gnomAD exomes 0.00018 and 0.00049; ExAC 0.00070; gnomAD 0.00203 and 0.00217; TOPMed 0.00219; 1000 Genomes Project 0.00220; 1000 Genomes Project 30x 0.00234; ESP Exome Variant Server 0.00292.
gnomAD v4.1: 567 of 1,613,580 alleles (0.035%); highest among the groups gnomAD compares: African/African-American, 0.7%; 3 homozygotes.

Submissions (7):

Labcorp Genetics (formerly Invitae), Labcorp
Classification: Benign for Brugada syndrome. Last evaluated: 2026-01-25. Review status: criteria provided, single submitter. Criteria: Invitae Variant Classification Sherloc (09022015). Collection method: clinical testing. Allele origin: germline.

Blueprint Genetics
Classification: Benign. Last evaluated: 2024-11-14. Review status: criteria provided, single submitter. Criteria: ACMG Guidelines, 2015. Collection method: clinical testing. Allele origin: germline.

GeneDx
Classification: Likely benign. Last evaluated: 2021-02-24. Review status: criteria provided, single submitter. Criteria: GeneDx Variant Classification Process June 2021. Collection method: clinical testing. Allele origin: germline. Affected: yes.
Comment: This variant is associated with the following publications: (PMID: 28078312, 28407228)

Ambry Genetics
Classification: Likely benign for Cardiovascular phenotype. Last evaluated: 2019-07-08. Review status: criteria provided, single submitter. Criteria: Ambry Variant Classification Scheme 2023. Collection method: clinical testing. Allele origin: germline.

Eurofins Ntd Llc (ga)
Classification: Benign. Last evaluated: 2013-08-09. Review status: criteria provided, single submitter. Criteria: EGL Classification Definitions 2015. Collection method: clinical testing. Allele origin: germline. Observed: 1 variant allele, 1 heterozygote.

Clinical Genetics, Academic Medical Center
Classification: Benign. Review status: no assertion criteria provided. Collection method: clinical testing. Allele origin: germline. Affected: yes. Study: VKGL Data-share Consensus. Not counted in ClinVar's aggregate classification.

Joint Genome Diagnostic Labs from Nijmegen and Maastricht, Radboudumc and MUMC+
Classification: Likely benign. Review status: no assertion criteria provided. Collection method: clinical testing. Allele origin: germline. Affected: yes. Study: VKGL Data-share Consensus. Not counted in ClinVar's aggregate classification.

Literature cited by the submitters: PubMed 28078312 (cited by Ambry Genetics); PubMed 28407228 (cited by Ambry Genetics); PubMed 29264398 (cited by Ambry Genetics).